The following is an entry in ClinVar:

NM_014423.4(AFF4):c.126T>A (p.Thr42=)

Gene: AFF4 (ALF transcription elongation factor 4; minus strand). Cytogenetic location: 5q31.1.
Variant type: single nucleotide variant.
Coding change: c.126T>A on transcript NM_014423.4 (MANE Select); coding-DNA position 126, T replaced by A.
Protein change: p.Thr42=; no amino-acid change (threonine 42 retained).
Molecular consequence: synonymous variant.
Genome position (GRCh38, 1-based): chr5:132,934,939, A>T on the plus strand (T>A on the coding strand, the complement: AFF4 is on the minus strand). VCF-style: chr5-132934939-A-T. GRCh37 (hg19) VCF-style: chr5-132270631-A-T.
Identifiers: ClinVar variation 4981335 (VCV004981335.1).
Genomic context (GRCh38, chr5:132,934,939, plus strand): 5'-CATTTCATCGTAGTTTCCAAGCATACTCTGAATACGACTTGATAACTTATCTTCTTTGCT[A>T]GTCTACAAAAAAATAAAATAAAATAAAATTATAAAATGAGCATAATCAGAAATAAAATAT-3'
Protein context (NP_055238.1, residues 32-52): SPLFAEPYKV[Thr42=]SKEDKLSSRI

ClinVar aggregate classification (germline): Likely benign (1 of 4 stars; one submission).

Conditions:
AFF4-related disorder. Also called: AFF4-related condition.

gnomAD v4.1: 1 of 1,529,966 alleles (0.000065%); highest among the groups gnomAD compares: Non-Finnish European, 0.000088%; no homozygotes.

Submission:

PreventionGenetics, part of Exact Sciences
Classification: Likely benign for AFF4-related condition. Last evaluated: 2025-12-03. Review status: criteria provided, single submitter. Criteria: ACMG Guidelines, 2015. Collection method: clinical testing. Allele origin: germline.
Comment: This variant is classified as likely benign based on ACMG/AMP sequence variant interpretation guidelines (Richards et al. 2015 PMID: 25741868, with internal and published modifications).